The following is an entry in ClinVar:

ClinVar aggregate classification (germline): Uncertain significance (1 of 4 stars; one submission).

Allele frequency attached by ClinVar (database versions not stated): gnomAD exomes below 0.00001.
gnomAD v4.1: 1 of 1,614,196 alleles (0.000062%); highest among the groups gnomAD compares: Non-Finnish European, 0.000085%; no homozygotes.

Submission:

GeneDx
Classification: Uncertain significance. Last evaluated: 2016-12-28. Review status: criteria provided, single submitter. Criteria: GeneDx Variant Classification (06012015). Collection method: clinical testing. Allele origin: germline. Affected: yes.
Comment: The Y383C variant in the SLC19A3 gene has not been reported previously as a pathogenic variant, nor as a benign variant, to our knowledge. The Y383C variant was not observed in approximately 6,500 individuals of European and African American ancestry in the NHLBI Exome Sequencing Project, indicating it is not a common benign variant in these populations. The Y383C variant is a non-conservative amino acid substitution, which is likely to impact secondary protein structure as these residues differ in polarity, charge, size and/or other properties. This substitution occurs at a position that is conserved across species. In silico analysis predicts this variant is probably damaging to the protein structure/function. We interpret Y383C as a variant of uncertain significance.

NM_025243.4(SLC19A3):c.1148A>G (p.Tyr383Cys)

Gene: SLC19A3 (solute carrier family 19 member 3; minus strand). Cytogenetic location: 2q36.3.
Variant type: single nucleotide variant.
Coding change: c.1148A>G on transcript NM_025243.4 (MANE Select); coding-DNA position 1148, A replaced by G.
Protein change: p.Tyr383Cys; replaces tyrosine 383 with cysteine.
Molecular consequence: missense variant.
Genome position (GRCh38, 1-based): chr2:227,695,913, T>C on the plus strand (A>G on the coding strand, the complement: SLC19A3 is on the minus strand). VCF-style: chr2-227695913-T-C. GRCh37 (hg19) VCF-style: chr2-228560629-T-C.
Other names: short protein forms Y383C.
Identifiers: ClinVar variation 392599 (VCV000392599.2), dbSNP rs1057524556, ClinGen allele CA16604081.